The following is an entry in ClinVar:

NM_002838.5(PTPRC):c.1891G>A (p.Glu631Lys)

Gene: PTPRC (protein tyrosine phosphatase receptor type C; plus strand). Cytogenetic location: 1q32.1.
Variant type: single nucleotide variant.
Coding change: c.1891G>A on transcript NM_002838.5 (MANE Select); coding-DNA position 1891, G replaced by A.
Protein change: p.Glu631Lys; replaces glutamic acid 631 with lysine.
Molecular consequence: missense variant.
Genome position (GRCh38, 1-based): chr1:198,731,643, G>A. VCF-style: chr1-198731643-G-A. GRCh37 (hg19) VCF-style: chr1-198700772-G-A.
Other names: c.1408G>A, p.Glu470Lys (NM_080921.4); short protein forms E631K, E470K.
Identifiers: ClinVar variation 958314 (VCV000958314.10), dbSNP rs1486244862, ClinGen allele CA344043891.

ClinVar aggregate classification (germline): Uncertain significance (1 of 4 stars; one submission).

Conditions:
Immunodeficiency 104. Also called: Severe Combined Immune Deficiency, Autosomal Recessive, TCell -Negative, B Cell-Positive, NK Cell-Positive, IL7R-Related; SCID, AUTOSOMAL RECESSIVE, T CELL-NEGATIVE, B CELL-POSITIVE, NK CELL-POSITIVE; IMMUNODEFICIENCY 104, SEVERE COMBINED; Severe combined immunodeficiency, autosomal recessive, T cell-negative, B cell-positive, NK cell-positive. Identifiers: MedGen C5676890, MONDO:0012163, OMIM 608971.

Allele frequency attached by ClinVar (database versions not stated): TOPMed below 0.00001; gnomAD 0.00001; gnomAD exomes 0.00002.
gnomAD v4.1: 26 of 1,610,608 alleles (0.0016%); highest among the groups gnomAD compares: Non-Finnish European, 0.0022%; no homozygotes.

Submission:

Labcorp Genetics (formerly Invitae), Labcorp
Classification: Uncertain significance for Immunodeficiency 104. Last evaluated: 2019-10-16. Review status: criteria provided, single submitter. Criteria: Invitae Variant Classification Sherloc (09022015). Collection method: clinical testing. Allele origin: germline.
Comment: Algorithms developed to predict the effect of missense changes on protein structure and function are either unavailable or do not agree on the potential impact of this missense change (SIFT: "Deleterious"; PolyPhen-2: "Possibly Damaging"; Align-GVGD: "Class C15"). In summary, the available evidence is currently insufficient to determine the role of this variant in disease. Therefore, it has been classified as a Variant of Uncertain Significance. This sequence change replaces glutamic acid with lysine at codon 631 of the PTPRC protein (p.Glu631Lys). The glutamic acid residue is highly conserved and there is a small physicochemical difference between glutamic acid and lysine. This variant is not present in population databases (ExAC no frequency). This variant has not been reported in the literature in individuals with PTPRC-related conditions.